The following is an entry in ClinVar:

ClinVar aggregate classification (germline): Uncertain significance (1 of 4 stars; one submission).

Submission:

Quest Diagnostics Nichols Institute San Juan Capistrano
Classification: Uncertain significance. Last evaluated: 2024-05-14. Review status: criteria provided, single submitter. Criteria: Quest Diagnostics criteria. Collection method: clinical testing. Allele origin: unknown.
Comment: The RAD50 c.3246A>T (p.Glu1082Asp) variant has not been reported in individuals with RAD50-related conditions in the published literature. It also has not been reported in large, multi-ethnic general populations (Genome Aggregation Database). Analysis of this variant using bioinformatics tools for the prediction of the effect of amino acid changes on protein structure and function yielded predictions that this variant is benign. Based on the available information, we are unable to determine the clinical significance of this variant.

NM_005732.4(RAD50):c.3246A>T (p.Glu1082Asp)

Gene: RAD50 (RAD50 double strand break repair protein; plus strand). Cytogenetic location: 5q31.1.
Variant type: single nucleotide variant.
Coding change: c.3246A>T on transcript NM_005732.4 (MANE Select); coding-DNA position 3246, A replaced by T.
Protein change: p.Glu1082Asp; replaces glutamic acid 1082 with aspartic acid.
Molecular consequence: missense variant.
Genome position (GRCh38, 1-based): chr5:132,618,151, A>T. VCF-style: chr5-132618151-A-T. GRCh37 (hg19) VCF-style: chr5-131953843-A-T.
Other names: short protein forms E1082D.
Identifiers: ClinVar variation 3572258 (VCV003572258.1).